The following is an entry in ClinVar:

NM_002203.4(ITGA2):c.2084-7A>G

Gene: ITGA2 (integrin subunit alpha 2; plus strand). Cytogenetic location: 5q11.2.
Variant type: single nucleotide variant.
Coding change: c.2084-7A>G on transcript NM_002203.4 (MANE Select); 7 bases into the intron before coding-DNA position 2084, A replaced by G.
Molecular consequence: intron variant.
Genome position (GRCh38, 1-based): chr5:53,070,102, A>G. VCF-style: chr5-53070102-A-G. GRCh37 (hg19) VCF-style: chr5-52365932-A-G.
Identifiers: ClinVar variation 3042529 (VCV003042529.3), dbSNP rs541149162, ClinGen allele CA3263080.
Genomic context (GRCh38, chr5:53,070,102, plus strand): 5'-AAGCAAAGATGCTTTTTCCTATAAGTTGATTTGAAATAACATTTCTTTATGATTTTTTTT[A>G]TCATAGCCATTGTATATAACATCACACTTGATGCAGATGGATTTTCATCCAGAGTAACCT-3'

ClinVar aggregate classification (germline): Likely benign. Review status: criteria provided, single submitter (1 of 4 stars). 2 submissions from 2 submitters: Likely benign (1). 1 of the submissions does not count toward it. Last evaluated 2024-07-02.

Conditions:
ITGA2-related disorder. Also called: ITGA2-related condition.

Allele frequency attached by ClinVar (database versions not stated): gnomAD 0.00001; TOPMed 0.00001; gnomAD exomes 0.00002; ExAC 0.00003; 1000 Genomes Project 0.00020; 1000 Genomes Project 30x 0.00031.
gnomAD v4.1: 36 of 1,584,196 alleles (0.0023%); highest among the groups gnomAD compares: Middle Eastern, 0.05%; no homozygotes.

Submissions (2):

Blueprint Genetics
Classification: Likely benign. Last evaluated: 2024-07-02. Review status: criteria provided, single submitter. Criteria: ACMG Guidelines, 2015. Collection method: clinical testing. Allele origin: germline.

PreventionGenetics, part of Exact Sciences
Classification: Likely benign for ITGA2-related condition. Last evaluated: 2019-06-20. Review status: no assertion criteria provided. Collection method: clinical testing. Allele origin: germline. Not counted in ClinVar's aggregate classification.
Comment: This variant is classified as likely benign based on ACMG/AMP sequence variant interpretation guidelines (Richards et al. 2015 PMID: 25741868, with internal and published modifications).